The following is an entry in ClinVar:

ClinVar aggregate classification (germline): Pathogenic (1 of 4 stars; one submission).

Conditions:
Duchenne muscular dystrophy (DMD). Also called: MUSCULAR DYSTROPHY, PSEUDOHYPERTROPHIC PROGRESSIVE, DUCHENNE TYPE; Duchenne Muscular Dystrophy (DMD). Identifiers: Orphanet 98896, MedGen C0013264, MONDO:0010679, OMIM 310200.

Submission:

Labcorp Genetics (formerly Invitae), Labcorp
Classification: Pathogenic for Duchenne muscular dystrophy. Last evaluated: 2024-10-19. Review status: criteria provided, single submitter. Criteria: Invitae Variant Classification Sherloc (09022015). Collection method: clinical testing. Allele origin: germline.
Comment: This sequence change creates a premature translational stop signal (p.Gln2776*) in the DMD gene. It is expected to result in an absent or disrupted protein product. Loss-of-function variants in DMD are known to be pathogenic (PMID: 16770791, 25007885). This variant is not present in population databases (gnomAD no frequency). This premature translational stop signal has been observed in individual(s) with Becker muscular dystrophy (PMID: 31919629). This variant is also known as c.4294C>T p.Gln1432*. For these reasons, this variant has been classified as Pathogenic.

Literature cited by the submitters: PubMed 16770791; PubMed 25007885; PubMed 31919629.

NM_004006.3(DMD):c.8326C>T (p.Gln2776Ter)

Gene: DMD (dystrophin; minus strand). Cytogenetic location: Xp21.1.
Variant type: single nucleotide variant.
Coding change: c.8326C>T on transcript NM_004006.3 (MANE Select); coding-DNA position 8326, C replaced by T.
Protein change: p.Gln2776Ter; replaces glutamine 2776 with a stop codon.
Molecular consequence: nonsense.
Genome position (GRCh38, 1-based): chrX:31,507,345, G>A on the plus strand (C>T on the coding strand, the complement: DMD is on the minus strand). VCF-style: chrX-31507345-G-A. GRCh37 (hg19) VCF-style: chrX-31525462-G-A.
Other names: c.8302C>T, p.Gln2768Ter (NM_000109.4); c.8314C>T, p.Gln2772Ter (NM_004009.3); c.7957C>T, p.Gln2653Ter (NM_004010.3); c.4303C>T, p.Gln1435Ter (NM_004011.4); c.4294C>T, p.Gln1432Ter (NM_004012.4); c.946C>T, p.Gln316Ter (NM_004013.3, NM_004020.4, NM_004021.3 and 2 more transcripts); c.139C>T, p.Gln47Ter (NM_004014.3); short protein forms Q2653*, Q2768*, Q2772*, Q2776*, Q1432*, Q47*, Q1435*, Q316*.
Identifiers: ClinVar variation 3659411 (VCV003659411.2).